The following is an entry in ClinVar:

ClinVar aggregate classification (germline): Pathogenic (1 of 4 stars; one submission).

Conditions:
Mitochondrial complex II deficiency, nuclear type 1. Also called: SUCCINATE CoQ REDUCTASE DEFICIENCY. Identifiers: Orphanet 3208, MedGen C5700310, MONDO:0100294, OMIM 252011.
Pheochromocytoma/paraganglioma syndrome 5. Also called: Paragangliomas 5; SDHA-Related Hereditary Paraganglioma-Pheochromocytoma Syndrome. Identifiers: Orphanet 29072, MedGen C3279992, MONDO:0013602, OMIM 614165.

Submission:

Labcorp Genetics (formerly Invitae), Labcorp
Classification: Pathogenic for Pheochromocytoma/paraganglioma syndrome 5; Mitochondrial complex II deficiency, nuclear type 1. Last evaluated: 2024-12-12. Review status: criteria provided, single submitter. Criteria: Invitae Variant Classification Sherloc (09022015). Collection method: clinical testing. Allele origin: germline.
Comment: This sequence change creates a premature translational stop signal (p.Tyr597Leufs*6) in the SDHA gene. It is expected to result in an absent or disrupted protein product. Loss-of-function variants in SDHA are known to be pathogenic (PMID: 22974104, 24781757). This variant is not present in population databases (gnomAD no frequency). This variant has not been reported in the literature in individuals affected with SDHA-related conditions. For these reasons, this variant has been classified as Pathogenic.

Literature cited by the submitters: PubMed 22974104; PubMed 24781757.

NM_004168.4(SDHA):c.1789dup (p.Tyr597fs)

Gene: SDHA (succinate dehydrogenase complex flavoprotein subunit A; plus strand). Cytogenetic location: 5p15.33.
Variant type: Duplication.
Coding change: c.1789dup on transcript NM_004168.4 (MANE Select); coding-DNA position 1789, one base duplicated (T; older notation c.1789dupT).
Protein change: p.Tyr597fs; shifts the reading frame from tyrosine 597.
Molecular consequence: frameshift variant. On other transcripts: intron variant (1).
Genome position (GRCh38, 1-based): chr5:251,463, T duplicated. VCF-style (leftmost placement, unchanged base first): chr5-251462-C-CT. GRCh37 (hg19) VCF-style: chr5-251577-C-CT.
Other names: c.1645dup, p.Tyr549fs (NM_001294332.2); c.1552-2930dup (NM_001330758.2); short protein forms Y549fs, Y597fs.
Identifiers: ClinVar variation 3760025 (VCV003760025.2).